The following is an entry in ClinVar:

NM_006393.3(NEBL):c.2534G>A (p.Arg845His)

Gene: NEBL (nebulette; minus strand). Cytogenetic location: 10p12.31.
Variant type: single nucleotide variant.
Coding change: c.2534G>A on transcript NM_006393.3 (MANE Select); coding-DNA position 2534, G replaced by A.
Protein change: p.Arg845His; replaces arginine 845 with histidine.
Molecular consequence: missense variant. On other transcripts: intron variant (8).
Genome position (GRCh38, 1-based): chr10:20,809,883, C>T on the plus strand (G>A on the coding strand, the complement: NEBL is on the minus strand). VCF-style: chr10-20809883-C-T. GRCh37 (hg19) VCF-style: chr10-21098812-C-T.
Other names: c.545G>A, p.Arg182His (NM_001377322.1); c.421+2886G>A (NM_001377326.1, NM_001377327.1, NM_001377328.1); c.529+2886G>A (NM_213569.2, NM_001173484.2); c.472+2886G>A (NM_001377324.1); c.463+2886G>A (NM_001377325.1); c.481+2886G>A (NM_001377323.1); short protein forms R182H, R845H.
Identifiers: ClinVar variation 961548 (VCV000961548.10), dbSNP rs761052528, ClinGen allele CA5432420.

ClinVar aggregate classification (germline): Conflicting classifications of pathogenicity. Review status: criteria provided, conflicting classifications (1 of 4 stars). 2 submissions from 2 submitters: Uncertain significance (1); Likely benign (1). Last evaluated 2025-02-20.

Conditions:
Primary dilated cardiomyopathy (DCM). Also called: Dilated Cardiomyopathy. Identifiers: Orphanet 217604, MedGen C0007193, MeSH D002311, MONDO:0005021, HP:0001644. Inheritance: Various modes of inheritance.

gnomAD v4.1: 74 of 1,610,602 alleles (0.0046%); highest among the groups gnomAD compares: African/African-American, 0.0068%; no homozygotes.

Submissions (2):

Labcorp Genetics (formerly Invitae), Labcorp
Classification: Uncertain significance for Primary dilated cardiomyopathy. Last evaluated: 2025-02-20. Review status: criteria provided, single submitter. Criteria: Invitae Variant Classification Sherloc (09022015). Collection method: clinical testing. Allele origin: germline.
Comment: This sequence change replaces arginine, which is basic and polar, with histidine, which is basic and polar, at codon 845 of the NEBL protein (p.Arg845His). This variant is present in population databases (rs761052528, gnomAD 0.02%). This missense change has been observed in individual(s) with sudden unexplained death (PMID: 29247119). ClinVar contains an entry for this variant (Variation ID: 961548). An algorithm developed to predict the effect of missense changes on protein structure and function (PolyPhen-2) suggests that this variant is likely to be disruptive. In summary, the available evidence is currently insufficient to determine the role of this variant in disease. Therefore, it has been classified as a Variant of Uncertain Significance.

Women's Health and Genetics/Laboratory Corporation of America, LabCorp
Classification: Likely benign. Last evaluated: 2024-11-26. Review status: criteria provided, single submitter. Criteria: LabCorp Variant Classification Summary - May 2015. Collection method: clinical testing. Allele origin: germline.
Comment: Variant summary: NEBL c.2534G>A (p.Arg845His) results in a non-conservative amino acid change in the encoded protein sequence. Four of five in-silico tools predict a damaging effect of the variant on protein function. The variant allele was found at a frequency of 4e-05 in 251154 control chromosomes. The observed variant frequency is approximately 5-fold of the estimated maximal expected allele frequency for a pathogenic variant in NEBL causing Dilated Cardiomyopathy phenotype (7.8e-06). c.2534G>A has been reported in the literature in a case of sudden unexplained death, without strong evidence for causality (Lin_2017). This report does not provide unequivocal conclusions about association of the variant with Dilated Cardiomyopathy. To our knowledge, no experimental evidence demonstrating an impact on protein function has been reported. The following publication has been ascertained in the context of this evaluation (PMID: 29247119). ClinVar contains an entry for this variant (Variation ID: 961548). Based on the evidence outlined above, the variant was classified as likely benign.

Literature cited by the submitters: PubMed 29247119 (cited by Labcorp Genetics (formerly Invitae), Labcorp and Women's Health and Genetics/Laboratory Corporation of America, LabCorp).